The following is an entry in ClinVar:

NM_000262.3(NAGA):c.319_322dup (p.Tyr108Ter)

Genes: NAGA (alpha-N-acetylgalactosaminidase; minus strand), LOC126863160 (CDK7 strongly-dependent group 2 enhancer GRCh37_chr22:42462918-42464117; plus strand). Cytogenetic location: 22q13.2.
Variant type: Duplication.
Coding change: c.319_322dup on transcript NM_000262.3 (MANE Select); coding-DNA positions 319 to 322, 4 bases duplicated (GACT; older notation c.319_322dupGACT).
Protein change: p.Tyr108Ter; replaces tyrosine 108 with a stop codon.
Molecular consequence: nonsense.
Genome position (GRCh38, 1-based): chr22:42,067,767-42,067,770, AGTC duplicated on the plus strand (GACT on the coding strand, the reverse complement: NAGA is on the minus strand); duplicating any 4 consecutive bases within chr22:42,067,767-42,067,772 gives the same sequence; the c. name uses the placement nearest the transcript's 3' end. VCF-style (leftmost placement, unchanged base first): chr22-42067766-T-TAGTC. GRCh37 (hg19) VCF-style: chr22-42463770-T-TAGTC.
Other names: c.319_322dup, p.Tyr108Ter (NM_001362848.1, NM_001362850.1); short protein forms Y108*.
Identifiers: ClinVar variation 2714494 (VCV002714494.3), dbSNP rs2519065527, ClinGen allele CA2697552791.

ClinVar aggregate classification (germline): Pathogenic (1 of 4 stars; one submission).

Conditions:
Alpha-N-acetylgalactosaminidase deficiency type 1. Also called: NAGA DEFICIENCY, TYPE I; NEUROAXONAL DYSTROPHY, SCHINDLER TYPE; SCHINDLER DISEASE, TYPE I; ALPHA-N-ACETYLGALACTOSAMINIDASE DEFICIENCY, TYPE I. Identifiers: Orphanet 3137, Orphanet 79279, Orphanet 79281, MedGen C1836544, MONDO:0012221, OMIM 609241.

Submission:

Labcorp Genetics (formerly Invitae), Labcorp
Classification: Pathogenic for Alpha-N-acetylgalactosaminidase deficiency type 1. Last evaluated: 2024-02-01. Review status: criteria provided, single submitter. Criteria: Invitae Variant Classification Sherloc (09022015). Collection method: clinical testing. Allele origin: germline.
Comment: This sequence change creates a premature translational stop signal (p.Tyr108*) in the NAGA gene. It is expected to result in an absent or disrupted protein product. Loss-of-function variants in NAGA are known to be pathogenic (PMID: 8782044, 11251574). This variant is not present in population databases (gnomAD no frequency). This variant has not been reported in the literature in individuals affected with NAGA-related conditions. Algorithms developed to predict the effect of sequence changes on RNA splicing suggest that this variant may disrupt the consensus splice site. For these reasons, this variant has been classified as Pathogenic.

Literature cited by the submitters: PubMed 8782044; PubMed 11251574.